The following is an entry in ClinVar:

ClinVar aggregate classification (germline): Uncertain significance (1 of 4 stars; one submission).

Conditions:
Cardiovascular phenotype. Identifiers: MedGen CN230736.

gnomAD v4.1: 4 of 1,613,922 alleles (0.00025%); highest among the groups gnomAD compares: African/African-American, 0.004%; no homozygotes.

Submission:

Ambry Genetics
Classification: Uncertain significance for Cardiovascular phenotype. Last evaluated: 2023-10-12. Review status: criteria provided, single submitter. Criteria: Ambry Variant Classification Scheme 2023. Collection method: clinical testing. Allele origin: germline.
Comment: The p.E214K variant (also known as c.640G>A), located in coding exon 1 of the CHST14 gene, results from a G to A substitution at nucleotide position 640. The glutamic acid at codon 214 is replaced by lysine, an amino acid with similar properties. This amino acid position is conserved. In addition, the in silico prediction for this alteration is inconclusive. Since supporting evidence is limited at this time, the clinical significance of this alteration remains unclear.

NM_130468.4(CHST14):c.640G>A (p.Glu214Lys)

Gene: CHST14 (carbohydrate sulfotransferase 14; plus strand). Cytogenetic location: 15q15.1.
Variant type: single nucleotide variant.
Coding change: c.640G>A on transcript NM_130468.4 (MANE Select); coding-DNA position 640, G replaced by A.
Protein change: p.Glu214Lys; replaces glutamic acid 214 with lysine.
Molecular consequence: missense variant.
Genome position (GRCh38, 1-based): chr15:40,471,853, G>A. VCF-style: chr15-40471853-G-A. GRCh37 (hg19) VCF-style: chr15-40764052-G-A.
Other names: short protein forms E214K.
Identifiers: ClinVar variation 3229038 (VCV003229038.1), dbSNP rs1421177025, ClinGen allele CA391766511.
Genomic context (GRCh38, chr15:40,471,853, plus strand): 5'-CTGCGGCCTGAGGAGATTCGCTACCGCCTGCAGCACTACTTTAAGTTCCTGTTTGTGCGG[G>A]AGCCCTTGGAACGCCTCCTCTCTGCCTACCGCAACAAGTTTGGCGAGATCCGAGAGTACC-3'
Protein context (NP_569735.1, residues 204-224): QHYFKFLFVR[Glu214Lys]PLERLLSAYR